The following is an entry in ClinVar:

ClinVar aggregate classification (germline): Uncertain significance (1 of 4 stars; one submission).

Conditions:
Duchenne muscular dystrophy (DMD). Also called: MUSCULAR DYSTROPHY, PSEUDOHYPERTROPHIC PROGRESSIVE, DUCHENNE TYPE; Duchenne Muscular Dystrophy (DMD). Identifiers: Orphanet 98896, MedGen C0013264, MONDO:0010679, OMIM 310200.

Submission:

Labcorp Genetics (formerly Invitae), Labcorp
Classification: Uncertain significance for Duchenne muscular dystrophy. Last evaluated: 2024-06-21. Review status: criteria provided, single submitter. Criteria: Invitae Variant Classification Sherloc (09022015). Collection method: clinical testing. Allele origin: germline.
Comment: This sequence change replaces proline, which is neutral and non-polar, with serine, which is neutral and polar, at codon 2448 of the DMD protein (p.Pro2448Ser). This variant is not present in population databases (gnomAD no frequency). This variant has not been reported in the literature in individuals affected with DMD-related conditions. Advanced modeling of protein sequence and biophysical properties (such as structural, functional, and spatial information, amino acid conservation, physicochemical variation, residue mobility, and thermodynamic stability) performed at Invitae indicates that this missense variant is not expected to disrupt DMD protein function with a negative predictive value of 95%. In summary, the available evidence is currently insufficient to determine the role of this variant in disease. Therefore, it has been classified as a Variant of Uncertain Significance.

NM_004006.3(DMD):c.7342C>T (p.Pro2448Ser)

Gene: DMD (dystrophin; minus strand). Cytogenetic location: Xp21.1.
Variant type: single nucleotide variant.
Coding change: c.7342C>T on transcript NM_004006.3 (MANE Select); coding-DNA position 7342, C replaced by T.
Protein change: p.Pro2448Ser; replaces proline 2448 with serine.
Molecular consequence: missense variant. On other transcripts: 5 prime UTR variant (5).
Genome position (GRCh38, 1-based): chrX:31,774,160, G>A on the plus strand (C>T on the coding strand, the complement: DMD is on the minus strand). VCF-style: chrX-31774160-G-A. GRCh37 (hg19) VCF-style: chrX-31792277-G-A.
Other names: c.7318C>T, p.Pro2440Ser (NM_000109.4); c.7330C>T, p.Pro2444Ser (NM_004009.3); c.6973C>T, p.Pro2325Ser (NM_004010.3); c.3319C>T, p.Pro1107Ser (NM_004011.4); c.3310C>T, p.Pro1104Ser (NM_004012.4); c.-39C>T (NM_004013.3, NM_004020.4, NM_004021.3 and 2 more transcripts); short protein forms P1107S, P2440S, P2444S, P2325S, P2448S, P1104S.
Identifiers: ClinVar variation 3634807 (VCV003634807.2).